The following is an entry in ClinVar:

ClinVar aggregate classification (germline): Conflicting classifications of pathogenicity. Review status: criteria provided, conflicting classifications (1 of 4 stars). 2 submissions from 2 submitters: Uncertain significance (1); Likely benign (1). Last evaluated 2025-08-14.

Allele frequency attached by ClinVar (database versions not stated): ExAC 0.00006; 1000 Genomes Project 30x 0.00062; 1000 Genomes Project 0.00080.
gnomAD v4.1: 109 of 1,614,246 alleles (0.0068%); highest among the groups gnomAD compares: Middle Eastern, 0.15%; 1 homozygote.

Submissions (2):

Ambry Genetics
Classification: Uncertain significance. Last evaluated: 2025-08-14. Review status: criteria provided, single submitter. Criteria: Ambry Variant Classification Scheme 2023. Collection method: clinical testing. Allele origin: germline.

CeGaT Center for Human Genetics Tuebingen
Classification: Likely benign. Last evaluated: 2022-04-01. Review status: criteria provided, single submitter. Criteria: CeGaT Center For Human Genetics Tuebingen Variant Classification Criteria Version 2. Collection method: clinical testing. Allele origin: germline. Affected: yes. Observed: 1 variant allele.
Comment: PCED1A: BP4

NM_022760.6(PCED1A):c.788C>T (p.Thr263Ile)

Genes: PCED1A (PC-esterase domain containing 1A; minus strand), LOC130065314 (ATAC-STARR-seq lymphoblastoid active region 17472; plus strand). Cytogenetic location: 20p13.
Variant type: single nucleotide variant.
Coding change: c.788C>T on transcript NM_022760.6 (MANE Select); coding-DNA position 788, C replaced by T.
Protein change: p.Thr263Ile; replaces threonine 263 with isoleucine.
Molecular consequence: missense variant.
Genome position (GRCh38, 1-based): chr20:2,838,285, G>A on the plus strand (C>T on the coding strand, the complement: PCED1A is on the minus strand). VCF-style: chr20-2838285-G-A. GRCh37 (hg19) VCF-style: chr20-2818931-G-A.
Other names: c.635C>T, p.Thr212Ile (NM_001271168.2); c.788C>T (NM_022760.3); short protein forms T212I, T263I.
Identifiers: ClinVar variation 2652154 (VCV002652154.25), dbSNP rs149287595, ClinGen allele CA9736956.